The following is an entry in ClinVar:

NM_201384.3(PLEC):c.8647C>T (p.Pro2883Ser)

Gene: PLEC (plectin; minus strand). Cytogenetic location: 8q24.3.
Variant type: single nucleotide variant.
Coding change: c.8647C>T on transcript NM_201384.3 (MANE Select); coding-DNA position 8647, C replaced by T.
Protein change: p.Pro2883Ser; replaces proline 2883 with serine.
Molecular consequence: missense variant.
Genome position (GRCh38, 1-based): chr8:143,921,174, G>A on the plus strand (C>T on the coding strand, the complement: PLEC is on the minus strand). VCF-style: chr8-143921174-G-A. GRCh37 (hg19) VCF-style: chr8-144995342-G-A.
Other names: c.8728C>T, p.Pro2910Ser (NM_000445.5); c.5347C>T, p.Pro1783Ser (NM_001410941.1); c.8605C>T, p.Pro2869Ser (NM_201378.4); c.8581C>T, p.Pro2861Ser (NM_201379.3); c.9058C>T, p.Pro3020Ser (NM_201380.4); c.8551C>T, p.Pro2851Ser (NM_201381.3); c.8647C>T, p.Pro2883Ser (NM_201382.4); c.8659C>T, p.Pro2887Ser (NM_201383.3); short protein forms P1783S, P2851S, P2883S, P2887S, P2861S, P2869S, P2910S, P3020S.
Identifiers: ClinVar variation 2355475 (VCV002355475.6), dbSNP rs1317483582, ClinGen allele CA372515624.

ClinVar aggregate classification (germline): Uncertain significance. Review status: criteria provided, multiple submitters, no conflicts (2 of 4 stars). 3 submissions from 3 submitters: Uncertain significance (3). Last evaluated 2024-12-18.

Conditions:
Epidermolysis bullosa simplex 5B, with muscular dystrophy (EBS5B). Also called: Epidermolysis bullosa simplex with muscular dystrophy; EPIDERMOLYSIS BULLOSA SIMPLEX AND LIMB-GIRDLE MUSCULAR DYSTROPHY. Identifiers: Orphanet 257, MedGen C2931072, MONDO:0009181, OMIM 226670.
Epidermolysis bullosa simplex, Ogna type (EBS5A). Also called: EPIDERMOLYSIS BULLOSA SIMPLEX 5A, OGNA TYPE; Pidermolysis bullosa simplex 5A, Ogna type. Identifiers: Orphanet 79401, MedGen C0432317, MONDO:0007555, OMIM 131950.
Epidermolysis bullosa simplex 5C, with pyloric atresia (EBS5C). Also called: PLEC-Related Epidermolysis Bullosa with Pyloric Atresia; Epidermolysis bullosa simplex with pyloric atresia; PLEC1-Related Epidermolysis Bullosa with Pyloric Atresia. Identifiers: Orphanet 158684, MedGen C2677349, MONDO:0012807, OMIM 612138.
Autosomal recessive limb-girdle muscular dystrophy type 2Q (LGMDR17). Also called: MUSCULAR DYSTROPHY, LIMB-GIRDLE, AUTOSOMAL RECESSIVE 17. Identifiers: Orphanet 254361, MedGen C3150989, MONDO:0013390, OMIM 613723.
Epidermolysis bullosa simplex with nail dystrophy (EBS5D). Identifiers: MedGen C4225309, MONDO:0014661, OMIM 616487.
Inborn genetic diseases. Identifiers: MedGen C0950123, MeSH D030342.

Allele frequency attached by ClinVar (database versions not stated): TOPMed 0.00004; gnomAD 0.00005.
gnomAD v4.1: 7 of 1,613,742 alleles (0.00043%); highest among the groups gnomAD compares: African/African-American, 0.0093%; no homozygotes.

Submissions (3):

Revvity Omics, Revvity
Classification: Uncertain significance. Last evaluated: 2024-12-18. Review status: criteria provided, single submitter. Criteria: ACMG Guidelines, 2015. Collection method: clinical testing. Allele origin: germline.

Labcorp Genetics (formerly Invitae), Labcorp
Classification: Uncertain significance for Autosomal recessive limb-girdle muscular dystrophy type 2Q; Epidermolysis bullosa simplex, Ogna type; Epidermolysis bullosa simplex with nail dystrophy; Epidermolysis bullosa simplex 5C, with pyloric atresia; Epidermolysis bullosa simplex 5B, with muscular dystrophy. Last evaluated: 2023-01-27. Review status: criteria provided, single submitter. Criteria: Invitae Variant Classification Sherloc (09022015). Collection method: clinical testing. Allele origin: germline.
Comment: In summary, the available evidence is currently insufficient to determine the role of this variant in disease. Therefore, it has been classified as a Variant of Uncertain Significance. Algorithms developed to predict the effect of missense changes on protein structure and function (SIFT, PolyPhen-2, Align-GVGD) all suggest that this variant is likely to be disruptive. This sequence change replaces proline, which is neutral and non-polar, with serine, which is neutral and polar, at codon 2910 of the PLEC protein (p.Pro2910Ser). This variant is present in population databases (no rsID available, gnomAD 0.02%). This variant has not been reported in the literature in individuals affected with PLEC-related conditions.

Ambry Genetics
Classification: Uncertain significance for Inborn genetic diseases. Last evaluated: 2022-01-03. Review status: criteria provided, single submitter. Criteria: Ambry Variant Classification Scheme 2023. Collection method: clinical testing. Allele origin: germline.